The following is an entry in ClinVar:

NM_001365999.1(SZT2):c.2747G>A (p.Arg916Gln)

Gene: SZT2 (SZT2 subunit of KICSTOR complex; plus strand). Cytogenetic location: 1p34.2.
Variant type: single nucleotide variant.
Coding change: c.2747G>A on transcript NM_001365999.1 (MANE Select); coding-DNA position 2747, G replaced by A.
Protein change: p.Arg916Gln; replaces arginine 916 with glutamine.
Molecular consequence: missense variant.
Genome position (GRCh38, 1-based): chr1:43,425,575, G>A. VCF-style: chr1-43425575-G-A. GRCh37 (hg19) VCF-style: chr1-43891246-G-A.
Other names: c.2747G>A, p.Arg916Gln (NM_015284.4); short protein forms R916Q.
Identifiers: ClinVar variation 589878 (VCV000589878.10), dbSNP rs572909512, ClinGen allele CA21632330.

ClinVar aggregate classification (germline): Uncertain significance. Review status: criteria provided, multiple submitters, no conflicts (2 of 4 stars). 3 submissions from 3 submitters: Uncertain significance (3). Last evaluated 2025-04-04.

Conditions:
Developmental and epileptic encephalopathy, 18 (DEE18). Also called: Early infantile epileptic encephalopathy 18. Identifiers: Orphanet 369894, MedGen C3809624, MONDO:0014201, OMIM 615476.
Inborn genetic diseases. Identifiers: MedGen C0950123, MeSH D030342.

Allele frequency attached by ClinVar (database versions not stated): gnomAD 0.00001; 1000 Genomes Project 0.00020; 1000 Genomes Project 30x 0.00031.
gnomAD v4.1: 16 of 1,614,216 alleles (0.00099%); highest among the groups gnomAD compares: East Asian, 0.0022%; no homozygotes.

Submissions (3):

Labcorp Genetics (formerly Invitae), Labcorp
Classification: Uncertain significance. Last evaluated: 2025-04-04. Review status: criteria provided, single submitter. Criteria: Invitae Variant Classification Sherloc (09022015). Collection method: clinical testing. Allele origin: germline.
Comment: This sequence change replaces arginine, which is basic and polar, with glutamine, which is neutral and polar, at codon 916 of the SZT2 protein (p.Arg916Gln). This variant is not present in population databases (gnomAD no frequency). This variant has not been reported in the literature in individuals affected with SZT2-related conditions. ClinVar contains an entry for this variant (Variation ID: 589878). Invitae Evidence Modeling of protein sequence and biophysical properties (such as structural, functional, and spatial information, amino acid conservation, physicochemical variation, residue mobility, and thermodynamic stability) indicates that this missense variant is not expected to disrupt SZT2 protein function with a negative predictive value of 80%. In summary, the available evidence is currently insufficient to determine the role of this variant in disease. Therefore, it has been classified as a Variant of Uncertain Significance.

Genome-Nilou Lab
Classification: Uncertain significance for Developmental and epileptic encephalopathy, 18. Last evaluated: 2023-04-11. Review status: criteria provided, single submitter. Criteria: ACMG Guidelines, 2015. Collection method: clinical testing. Allele origin: germline. Affected: no.

Ambry Genetics
Classification: Uncertain significance for Inborn genetic diseases. Last evaluated: 2016-08-02. Review status: criteria provided, single submitter. Criteria: Ambry Variant Classification Scheme 2023. Collection method: clinical testing. Allele origin: germline.
Comment: The p.R916Q variant (also known as c.2747G>A), located in coding exon 19 of the SZT2 gene, results from a G to A substitution at nucleotide position 2747. The arginine at codon 916 is replaced by glutamine, an amino acid with highly similar properties. This variant was not reported in population based cohorts in the following databases: Database of Single Nucleotide Polymorphisms (dbSNP), NHLBI Exome Sequencing Project (ESP), and 1000 Genomes Project. In the ESP, this variant was not observed in 6503 samples (13006 alleles) with coverage at this position. This amino acid position is highly conserved through mammals but not in all available vertebrate species. In addition, this alteration is predicted to be tolerated by in silico analysis. Since supporting evidence is limited at this time, the clinical significance of this variant remains unclear.